The following is an entry in ClinVar:

ClinVar aggregate classification (germline): Uncertain significance (1 of 4 stars; one submission).

Conditions:
ALG1-congenital disorder of glycosylation. Also called: ALG1-CDG; CONGENITAL DISORDER OF GLYCOSYLATION, TYPE Ik; CDG Ik. Identifiers: Orphanet 79327, MedGen C2931005, MONDO:0012052, OMIM 608540.

Submission:

Labcorp Genetics (formerly Invitae), Labcorp
Classification: Uncertain significance for ALG1-congenital disorder of glycosylation. Last evaluated: 2022-05-21. Review status: criteria provided, single submitter. Criteria: Invitae Variant Classification Sherloc (09022015). Collection method: clinical testing. Allele origin: germline.
Comment: This variant results in a copy number gain of the genomic region encompassing exon(s) 11-13 of the ALG1 gene. This region includes the termination codon of the gene. This copy number gain extends beyond the assayed region for this gene and therefore may encompass additional genes. As the precise location of this event is unknown, it may be in tandem or it may be located elsewhere in the genome. This variant has not been reported in the literature in individuals affected with ALG1-related conditions. Experimental studies and prediction algorithms are not available or were not evaluated, and the functional significance of this variant is currently unknown. In summary, the available evidence is currently insufficient to determine the role of this variant in disease. Therefore, it has been classified as a Variant of Uncertain Significance.

NC_000016.9:g.(?_5132540)_(5134882_?)dup

Genes: ALG1 (ALG1 chitobiosyldiphosphodolichol beta-mannosyltransferase; plus strand), EEF2KMT (eukaryotic elongation factor 2 lysine methyltransferase; minus strand). Cytogenetic location: 16p13.3.
Variant type: Duplication.
Identifiers: ClinVar variation 2426515 (VCV002426515.3).